The following is an entry in ClinVar:

NM_002887.4(RARS1):c.1873+5G>A

Gene: RARS1 (arginyl-tRNA synthetase 1; plus strand). Cytogenetic location: 5q34.
Variant type: single nucleotide variant.
Coding change: c.1873+5G>A on transcript NM_002887.4 (MANE Select); 5 bases into the intron after coding-DNA position 1873, G replaced by A.
Molecular consequence: intron variant.
Genome position (GRCh38, 1-based): chr5:168,518,067, G>A. VCF-style: chr5-168518067-G-A. GRCh37 (hg19) VCF-style: chr5-167945072-G-A.
Identifiers: ClinVar variation 1680443 (VCV001680443.6), dbSNP rs751976223, ClinGen allele CA3550030.

ClinVar aggregate classification (germline): Uncertain significance (1 of 4 stars; one submission).

Allele frequency attached by ClinVar (database versions not stated): gnomAD exomes 0.00001 and 0.00003; ExAC 0.00003; gnomAD 0.00010.
gnomAD v4.1: 16 of 782,156 alleles (0.002%); highest among the groups gnomAD compares: African/African-American, 0.035%; no homozygotes.

Submission:

Labcorp Genetics (formerly Invitae), Labcorp
Classification: Uncertain significance. Last evaluated: 2021-05-29. Review status: criteria provided, single submitter. Criteria: Invitae Variant Classification Sherloc (09022015). Collection method: clinical testing. Allele origin: germline.
Comment: In summary, the available evidence is currently insufficient to determine the role of this variant in disease. Therefore, it has been classified as a Variant of Uncertain Significance. Nucleotide substitutions within the consensus splice site are a relatively common cause of aberrant splicing (PMID: 17576681, 9536098). Algorithms developed to predict the effect of sequence changes on RNA splicing suggest that this variant may disrupt the consensus splice site, but this prediction has not been confirmed by published transcriptional studies. This variant has not been reported in the literature in individuals with RARS-related conditions. This variant is present in population databases (rs751976223, ExAC 0.005%). This sequence change falls in intron 14 of the RARS gene. It does not directly change the encoded amino acid sequence of the RARS protein. It affects a nucleotide within the consensus splice site of the intron.

Literature cited by the submitters: PubMed 17576681; PubMed 9536098.